The following is an entry in ClinVar:

ClinVar aggregate classification (germline): Uncertain significance (1 of 4 stars; one submission).

Submission:

Genetic Services Laboratory, University of Chicago
Classification: Uncertain significance. Last evaluated: 2021-10-05. Review status: criteria provided, single submitter. Criteria: ACMG Guidelines, 2015. Collection method: clinical testing. Allele origin: germline. Affected: no.
Comment: DNA sequence analysis of the RBBP6 demonstrated a three base pair deletion in exon 18, c.5119_5121del. This in-frame deletion is predicted to result in the deletion of one amino acid residue, p.Ser1707del. This deletion does not appear to have been previously described in individuals with RBBP6-related disorders. This deletion has been described in two non-Finnish European individuals and one individual with unknown ethnic origin in the gnomAD population database (rs760532032). Due to insufficient evidence and the lack of functional studies, the clinical significance of the c.5119_5121del change remains unknown at this time.

NM_006910.5(RBBP6):c.5119_5121del (p.Ser1707del)

Gene: RBBP6 (RB binding protein 6, ubiquitin ligase; plus strand). Cytogenetic location: 16p12.1.
Variant type: Deletion.
Coding change: c.5119_5121del on transcript NM_006910.5 (MANE Select); coding-DNA positions 5119 to 5121, 3 bases deleted (TCT; older notation c.5119_5121delTCT).
Protein change: p.Ser1707del; deletes serine 1707.
Molecular consequence: inframe deletion.
Genome position (GRCh38, 1-based): chr16:24,572,185-24,572,187, TCT deleted; deleting any 3 consecutive bases within chr16:24,572,183-24,572,187 gives the same sequence; the c. name uses the placement nearest the transcript's 3' end. VCF-style (leftmost placement, unchanged base first): chr16-24572182-CCTT-C. GRCh37 (hg19) VCF-style: chr16-24583503-CCTT-C.
Other names: c.5017_5019del, p.Ser1673del (NM_018703.4); short protein forms S1673del, S1707del.
Identifiers: ClinVar variation 1338636 (VCV001338636.4), dbSNP rs760532032, ClinGen allele CA279584172.